The following is an entry in ClinVar:

ClinVar aggregate classification (germline): Uncertain significance (1 of 4 stars; one submission).

gnomAD v4.1: 1 of 1,610,096 alleles (0.000062%); highest among the groups gnomAD compares: Non-Finnish European, 0.000085%; no homozygotes.

Submission:

CeGaT Center for Human Genetics Tuebingen
Classification: Uncertain significance. Last evaluated: 2022-07-01. Review status: criteria provided, single submitter. Criteria: CeGaT Center For Human Genetics Tuebingen Variant Classification Criteria Version 2. Collection method: clinical testing. Allele origin: germline. Affected: yes. Observed: 1 variant allele.
Comment: KAT6A: PM2, BP4

NM_006766.5(KAT6A):c.3739A>C (p.Ser1247Arg)

Gene: KAT6A (lysine acetyltransferase 6A; minus strand). Cytogenetic location: 8p11.21.
Variant type: single nucleotide variant.
Coding change: c.3739A>C on transcript NM_006766.5 (MANE Select); coding-DNA position 3739, A replaced by C.
Protein change: p.Ser1247Arg; replaces serine 1247 with arginine.
Molecular consequence: missense variant.
Genome position (GRCh38, 1-based): chr8:41,934,481, T>G on the plus strand (A>C on the coding strand, the complement: KAT6A is on the minus strand). VCF-style: chr8-41934481-T-G. GRCh37 (hg19) VCF-style: chr8-41791999-T-G.
Other names: short protein forms S1247R.
Identifiers: ClinVar variation 2658575 (VCV002658575.24), dbSNP rs2150856849, ClinGen allele CA371068487.